The following is an entry in ClinVar:

NM_002473.6(MYH9):c.3914C>G (p.Ala1305Gly)

Gene: MYH9 (myosin heavy chain 9; minus strand). Cytogenetic location: 22q12.3.
Variant type: single nucleotide variant.
Coding change: c.3914C>G on transcript NM_002473.6 (MANE Select); coding-DNA position 3914, C replaced by G.
Protein change: p.Ala1305Gly; replaces alanine 1305 with glycine.
Molecular consequence: missense variant.
Genome position (GRCh38, 1-based): chr22:36,293,787, G>C on the plus strand (C>G on the coding strand, the complement: MYH9 is on the minus strand). VCF-style: chr22-36293787-G-C. GRCh37 (hg19) VCF-style: chr22-36689833-G-C.
Other names: short protein forms A1305G.
Identifiers: ClinVar variation 4695038 (VCV004695038.1).

ClinVar aggregate classification (germline): Uncertain significance (1 of 4 stars; one submission).

gnomAD v4.1: 2 of 1,613,712 alleles (0.00012%); highest among the groups gnomAD compares: Non-Finnish European, 0.00017%; no homozygotes.

Submission:

Labcorp Genetics (formerly Invitae), Labcorp
Classification: Uncertain significance. Last evaluated: 2025-10-29. Review status: criteria provided, single submitter. Criteria: Invitae Variant Classification Sherloc (09022015). Collection method: clinical testing. Allele origin: germline.
Comment: This sequence change replaces alanine, which is neutral and non-polar, with glycine, which is neutral and non-polar, at codon 1305 of the MYH9 protein (p.Ala1305Gly). This variant is not present in population databases (gnomAD no frequency). This variant has not been reported in the literature in individuals affected with MYH9-related conditions. Invitae Evidence Modeling of protein sequence and biophysical properties (such as structural, functional, and spatial information, amino acid conservation, physicochemical variation, residue mobility, and thermodynamic stability) indicates that this missense variant is not expected to disrupt MYH9 protein function with a negative predictive value of 95%. In summary, the available evidence is currently insufficient to determine the role of this variant in disease. Therefore, it has been classified as a Variant of Uncertain Significance.